The following is an entry in ClinVar:

NM_005045.4(RELN):c.5547T>C (p.Leu1849=)

Gene: RELN (reelin; minus strand). Cytogenetic location: 7q22.1.
Variant type: single nucleotide variant.
Coding change: c.5547T>C on transcript NM_005045.4 (MANE Select); coding-DNA position 5547, T replaced by C.
Protein change: p.Leu1849=; no amino-acid change (leucine 1849 retained).
Molecular consequence: synonymous variant.
Genome position (GRCh38, 1-based): chr7:103,558,032, A>G on the plus strand (T>C on the coding strand, the complement: RELN is on the minus strand). VCF-style: chr7-103558032-A-G. GRCh37 (hg19) VCF-style: chr7-103198479-A-G.
Other names: c.5547T>C, p.Leu1849= (NM_173054.3).
Identifiers: ClinVar variation 388016 (VCV000388016.13), dbSNP rs766701326, ClinGen allele CA4421172.

ClinVar aggregate classification (germline): Conflicting classifications of pathogenicity. Review status: criteria provided, conflicting classifications (1 of 4 stars). 3 submissions from 3 submitters: Uncertain significance (1); Likely benign (2). Last evaluated 2023-10-16.

Conditions:
Norman-Roberts syndrome (LIS2). Also called: Lissencephaly 2 (Norman-Roberts type). Identifiers: Orphanet 89844, MedGen C0796089, MONDO:0009760, OMIM 257320.
Familial temporal lobe epilepsy 7. Identifiers: Orphanet 101046, MedGen C4225327, MONDO:0014639, OMIM 616436.

Allele frequency attached by ClinVar (database versions not stated): gnomAD 0.00001 and 0.00003; gnomAD exomes 0.00004 and 0.00007; ExAC 0.00008.
gnomAD v4.1: 63 of 1,520,624 alleles (0.0041%); highest among the groups gnomAD compares: South Asian, 0.067%; no homozygotes.

Submissions (3):

Labcorp Genetics (formerly Invitae), Labcorp
Classification: Likely benign for Familial temporal lobe epilepsy 7; Norman-Roberts syndrome. Last evaluated: 2023-10-16. Review status: criteria provided, single submitter. Criteria: Invitae Variant Classification Sherloc (09022015). Collection method: clinical testing. Allele origin: germline.

Illumina Laboratory Services, Illumina
Classification: Uncertain significance for Norman-Roberts syndrome. Last evaluated: 2018-01-12. Review status: criteria provided, single submitter. Criteria: ICSL Variant Classification Criteria 13 December 2019. Collection method: clinical testing. Allele origin: germline.

GeneDx
Classification: Likely benign. Last evaluated: 2016-08-01. Review status: criteria provided, single submitter. Criteria: GeneDx Variant Classification (06012015). Collection method: clinical testing. Allele origin: germline. Affected: yes.
Comment: This variant is considered likely benign or benign based on one or more of the following criteria: it is a conservative change, it occurs at a poorly conserved position in the protein, it is predicted to be benign by multiple in silico algorithms, and/or has population frequency not consistent with disease.